The following is an entry in ClinVar:

ClinVar aggregate classification (germline): Uncertain significance. Review status: criteria provided, multiple submitters, no conflicts (2 of 4 stars). 3 submissions from 3 submitters: Uncertain significance (3). Last evaluated 2025-06-09.

Conditions:
Ataxia-telangiectasia syndrome (AT). Also called: Ataxia-telangiectasia, complementation group D; AT, COMPLEMENTATION GROUP C; ATAXIA-TELANGIECTASIA, COMPLEMENTATION GROUP A; ATAXIA-TELANGIECTASIA, FRESNO VARIANT; Ataxia-telangiectasia, complementation group E; LOUIS-BAR SYNDROME. Identifiers: Orphanet 100, MedGen C0004135, MONDO:0008840, OMIM 208900.
Hereditary cancer-predisposing syndrome. Also called: Tumor predisposition; Hereditary Cancer Syndrome; Hereditary neoplastic syndrome; Neoplastic Syndromes, Hereditary. Identifiers: Orphanet 140162, MedGen C0027672, MeSH D009386, MONDO:0015356.

Allele frequency attached by ClinVar (database versions not stated): TOPMed below 0.00001.

Submissions (3):

Ambry Genetics
Classification: Uncertain significance for Hereditary cancer-predisposing syndrome. Last evaluated: 2025-06-09. Review status: criteria provided, single submitter. Criteria: Ambry Variant Classification Scheme 2023. Collection method: clinical testing. Allele origin: germline.
Comment: The p.Q2177E variant (also known as c.6529C>G), located in coding exon 44 of the ATM gene, results from a C to G substitution at nucleotide position 6529. The glutamine at codon 2177 is replaced by glutamic acid, an amino acid with highly similar properties. This amino acid position is highly conserved in available vertebrate species. In addition, this alteration is predicted to be deleterious by in silico analysis. Based on the available evidence, the clinical significance of this variant remains unclear.

Labcorp Genetics (formerly Invitae), Labcorp
Classification: Uncertain significance for Ataxia-telangiectasia syndrome. Last evaluated: 2024-10-03. Review status: criteria provided, single submitter. Criteria: Invitae Variant Classification Sherloc (09022015). Collection method: clinical testing. Allele origin: germline.
Comment: This sequence change replaces glutamine, which is neutral and polar, with glutamic acid, which is acidic and polar, at codon 2177 of the ATM protein (p.Gln2177Glu). This variant is not present in population databases (gnomAD no frequency). This variant has not been reported in the literature in individuals affected with ATM-related conditions. ClinVar contains an entry for this variant (Variation ID: 1810514). Invitae Evidence Modeling of protein sequence and biophysical properties (such as structural, functional, and spatial information, amino acid conservation, physicochemical variation, residue mobility, and thermodynamic stability) has been performed for this missense variant. However, the output from this modeling did not meet the statistical confidence thresholds required to predict the impact of this variant on ATM protein function. In summary, the available evidence is currently insufficient to determine the role of this variant in disease. Therefore, it has been classified as a Variant of Uncertain Significance.

GeneDx
Classification: Uncertain significance. Last evaluated: 2022-07-01. Review status: criteria provided, single submitter. Criteria: GeneDx Variant Classification Process June 2021. Collection method: clinical testing. Allele origin: germline. Affected: yes.
Comment: Not observed at significant frequency in large population cohorts (gnomAD); In silico analysis supports that this missense variant does not alter protein structure/function; Has not been previously published as pathogenic or benign to our knowledge; This variant is associated with the following publications: (PMID: 23532176)

NM_000051.4(ATM):c.6529C>G (p.Gln2177Glu)

Genes: ATM (ATM serine/threonine kinase; plus strand), C11orf65 (chromosome 11 open reading frame 65; minus strand). Cytogenetic location: 11q22.3.
Variant type: single nucleotide variant.
Coding change: c.6529C>G on transcript NM_000051.4 (MANE Select); coding-DNA position 6529, C replaced by G.
Protein change: p.Gln2177Glu; replaces glutamine 2177 with glutamic acid.
Molecular consequence: missense variant. On other transcripts: intron variant (2).
Genome position (GRCh38, 1-based): chr11:108,321,377, C>G. VCF-style: chr11-108321377-C-G. GRCh37 (hg19) VCF-style: chr11-108192104-C-G.
Other names: c.6529C>G, p.Gln2177Glu (NM_001351834.2); c.641-12306G>C (NM_001330368.2); c.*39-12306G>C (NM_001351110.2); short protein forms Q2177E.
Identifiers: ClinVar variation 1810514 (VCV001810514.7), dbSNP rs766706861, ClinGen allele CA382554221.